The following is an entry in ClinVar:

ClinVar aggregate classification (germline): Uncertain significance. Review status: criteria provided, single submitter (1 of 4 stars). 2 submissions from 2 submitters: Uncertain significance (1). 1 of the submissions does not count toward it. Last evaluated 2024-10-29.

Conditions:
Methylcrotonyl-CoA carboxylase deficiency. Also called: Deficiency of methylcrotonoyl-CoA carboxylase; 3-MCC Deficiency; 3 Methylcrotonylglycinuria. Identifiers: Orphanet 6, MedGen C4551505, MONDO:0018950.
3-methylcrotonyl-CoA carboxylase 2 deficiency. Also called: METHYLCROTONYLGLYCINURIA, TYPE II; 3 alpha methylcrotonyl-CoA carboxylase 2 deficiency; 3 alpha methylcrotonylglycinuria 2; MCC 2 deficiency; Methylcrotonylglycinuria type 2. Identifiers: Orphanet 6, MedGen C1859499, MONDO:0008862, OMIM 210210.

Allele frequency attached by ClinVar (database versions not stated): gnomAD 0.00003; TOPMed 0.00008; gnomAD exomes 0.00012 and 0.00025; ExAC 0.00017.
gnomAD v4.1: 78 of 1,614,024 alleles (0.0048%); highest among the groups gnomAD compares: Admixed American, 0.13%; no homozygotes.

Submissions (2):

Labcorp Genetics (formerly Invitae), Labcorp
Classification: Uncertain significance for 3-methylcrotonyl-CoA carboxylase 2 deficiency. Last evaluated: 2024-10-29. Review status: criteria provided, single submitter. Criteria: Invitae Variant Classification Sherloc (09022015). Collection method: clinical testing. Allele origin: germline.
Comment: This sequence change replaces glutamic acid, which is acidic and polar, with glutamine, which is neutral and polar, at codon 502 of the MCCC2 protein (p.Glu502Gln). This variant is present in population databases (rs767326357, gnomAD 0.2%). This variant has not been reported in the literature in individuals affected with MCCC2-related conditions. ClinVar contains an entry for this variant (Variation ID: 567183). Invitae Evidence Modeling of protein sequence and biophysical properties (such as structural, functional, and spatial information, amino acid conservation, physicochemical variation, residue mobility, and thermodynamic stability) indicates that this missense variant is not expected to disrupt MCCC2 protein function with a negative predictive value of 80%. In summary, the available evidence is currently insufficient to determine the role of this variant in disease. Therefore, it has been classified as a Variant of Uncertain Significance.

Natera, Inc.
Classification: Uncertain significance for 3-methylcrotonylglycinuria. Last evaluated: 2020-09-16. Review status: no assertion criteria provided. Collection method: clinical testing. Allele origin: germline. Not counted in ClinVar's aggregate classification.

NM_022132.5(MCCC2):c.1504G>C (p.Glu502Gln)

Gene: MCCC2 (methylcrotonyl-CoA carboxylase subunit 2; plus strand). Cytogenetic location: 5q13.2.
Variant type: single nucleotide variant.
Coding change: c.1504G>C on transcript NM_022132.5 (MANE Select); coding-DNA position 1504, G replaced by C.
Protein change: p.Glu502Gln; replaces glutamic acid 502 with glutamine.
Molecular consequence: missense variant.
Genome position (GRCh38, 1-based): chr5:71,652,684, G>C. VCF-style: chr5-71652684-G-C. GRCh37 (hg19) VCF-style: chr5-70948511-G-C.
Other names: c.1390G>C, p.Glu464Gln (NM_001363147.1); short protein forms E502Q, E464Q.
Identifiers: ClinVar variation 567183 (VCV000567183.6), dbSNP rs767326357, ClinGen allele CA3298180.